The following is an entry in ClinVar:

ClinVar aggregate classification (germline): Uncertain significance. Review status: criteria provided, multiple submitters, no conflicts (2 of 4 stars). 2 submissions from 2 submitters: Uncertain significance (2). Last evaluated 2026-01-13.

Allele frequency attached by ClinVar (database versions not stated): gnomAD exomes 0.00001; TOPMed 0.00001.
gnomAD v4.1: 3 of 1,598,286 alleles (0.00019%); highest among the groups gnomAD compares: East Asian, 0.0067%; no homozygotes.

Submissions (2):

Labcorp Genetics (formerly Invitae), Labcorp
Classification: Uncertain significance. Last evaluated: 2026-01-13. Review status: criteria provided, single submitter. Criteria: Invitae Variant Classification Sherloc (09022015). Collection method: clinical testing. Allele origin: germline.
Comment: This sequence change replaces arginine, which is basic and polar, with lysine, which is basic and polar, at codon 203 of the RECQL protein (p.Arg203Lys). This variant is present in population databases (no rsID available, gnomAD 0.02%). This variant has not been reported in the literature in individuals affected with RECQL-related conditions. ClinVar contains an entry for this variant (Variation ID: 1989066). Invitae Evidence Modeling of protein sequence and biophysical properties (such as structural, functional, and spatial information, amino acid conservation, physicochemical variation, residue mobility, and thermodynamic stability) indicates that this missense variant is not expected to disrupt RECQL protein function with a negative predictive value of 80%. In summary, the available evidence is currently insufficient to determine the role of this variant in disease. Therefore, it has been classified as a Variant of Uncertain Significance.

Ambry Genetics
Classification: Uncertain significance. Last evaluated: 2023-12-04. Review status: criteria provided, single submitter. Criteria: Ambry Variant Classification Scheme 2023. Collection method: clinical testing. Allele origin: germline.
Comment: The p.R203K variant (also known as c.608G>A), located in coding exon 5 of the RECQL gene, results from a G to A substitution at nucleotide position 608. The arginine at codon 203 is replaced by lysine, an amino acid with highly similar properties. This amino acid position is conserved. In addition, this alteration is predicted to be tolerated by in silico analysis. Since supporting evidence is limited at this time, the clinical significance of this alteration remains unclear.

NM_002907.4(RECQL):c.608G>A (p.Arg203Lys)

Gene: RECQL (RecQ like helicase; minus strand). Cytogenetic location: 12p12.1.
Variant type: single nucleotide variant.
Coding change: c.608G>A on transcript NM_002907.4 (MANE Select); coding-DNA position 608, G replaced by A.
Protein change: p.Arg203Lys; replaces arginine 203 with lysine.
Molecular consequence: missense variant.
Genome position (GRCh38, 1-based): chr12:21,483,468, C>T on the plus strand (G>A on the coding strand, the complement: RECQL is on the minus strand). VCF-style: chr12-21483468-C-T. GRCh37 (hg19) VCF-style: chr12-21636402-C-T.
Other names: c.608G>A, p.Arg203Lys (NM_032941.3); c.608G>A (NM_002907.3); short protein forms R203K.
Identifiers: ClinVar variation 1989066 (VCV001989066.5), dbSNP rs1006026925, ClinGen allele CA233574494.
Genomic context (GRCh38, chr12:21,483,468, plus strand): 5'-CAGTGAACTTCATCCACAGCAATTCGAGTAAATCTCCTTGCTTCATAGGCTTTCTCTAGT[C>T]TTGACATAAACATTTTGCTTTTTGCAATTTTCTCTGGAGTCACATAAATCAGCTTTAACT-3'
Protein context (NP_002898.2, residues 193-213): KIAKSKMFMS[Arg203Lys]LEKAYEARRF